The following is an entry in ClinVar:

ClinVar aggregate classification (germline): Uncertain significance. Review status: criteria provided, multiple submitters, no conflicts (2 of 4 stars). 2 submissions from 2 submitters: Uncertain significance (2). Last evaluated 2025-04-14.

Conditions:
Inborn genetic diseases. Identifiers: MedGen C0950123, MeSH D030342.

gnomAD v4.1: 3 of 1,614,072 alleles (0.00019%); highest among the groups gnomAD compares: Admixed American, 0.005%; no homozygotes.

Submissions (2):

Labcorp Genetics (formerly Invitae), Labcorp
Classification: Uncertain significance. Last evaluated: 2025-04-14. Review status: criteria provided, single submitter. Criteria: Invitae Variant Classification Sherloc (09022015). Collection method: clinical testing. Allele origin: germline.
Comment: This sequence change replaces arginine, which is basic and polar, with proline, which is neutral and non-polar, at codon 478 of the AAAS protein (p.Arg478Pro). This variant is present in population databases (rs781738941, gnomAD 0.009%). This variant has not been reported in the literature in individuals affected with AAAS-related conditions. ClinVar contains an entry for this variant (Variation ID: 2303092). Invitae Evidence Modeling of protein sequence and biophysical properties (such as structural, functional, and spatial information, amino acid conservation, physicochemical variation, residue mobility, and thermodynamic stability) indicates that this missense variant is expected to disrupt AAAS protein function with a positive predictive value of 80%. Algorithms developed to predict the effect of sequence changes on RNA splicing suggest that this variant may disrupt the consensus splice site. In summary, the available evidence is currently insufficient to determine the role of this variant in disease. Therefore, it has been classified as a Variant of Uncertain Significance.

Ambry Genetics
Classification: Uncertain significance for Inborn genetic diseases. Last evaluated: 2022-07-26. Review status: criteria provided, single submitter. Criteria: Ambry Variant Classification Scheme 2023. Collection method: clinical testing. Allele origin: germline.

NM_015665.6(AAAS):c.1433G>C (p.Arg478Pro)

Gene: AAAS (aladin WD repeat nucleoporin; minus strand). Cytogenetic location: 12q13.13.
Variant type: single nucleotide variant.
Coding change: c.1433G>C on transcript NM_015665.6 (MANE Select); coding-DNA position 1433, G replaced by C.
Protein change: p.Arg478Pro; replaces arginine 478 with proline.
Molecular consequence: missense variant.
Genome position (GRCh38, 1-based): chr12:53,307,697, C>G on the plus strand (G>C on the coding strand, the complement: AAAS is on the minus strand). VCF-style: chr12-53307697-C-G. GRCh37 (hg19) VCF-style: chr12-53701481-C-G.
Other names: c.1334G>C, p.Arg445Pro (NM_001173466.2); short protein forms R445P, R478P.
Identifiers: ClinVar variation 2303092 (VCV002303092.4), dbSNP rs781738941, ClinGen allele CA6598833.